The following is an entry in ClinVar:

ClinVar aggregate classification (germline): Pathogenic (1 of 4 stars; one submission).

Submission:

CeGaT Center for Human Genetics Tuebingen
Classification: Pathogenic. Last evaluated: 2024-12-01. Review status: criteria provided, single submitter. Criteria: CeGaT Center For Human Genetics Tuebingen Variant Classification Criteria Version 2. Collection method: clinical testing. Allele origin: germline. Affected: yes. Observed: 1 variant allele.
Comment: RSPH4A: PVS1, PM2

NM_001010892.3(RSPH4A):c.347_348del (p.Val116fs)

Gene: RSPH4A (radial spoke head component 4A; plus strand). Cytogenetic location: 6q22.1.
Variant type: Microsatellite.
Coding change: c.347_348del on transcript NM_001010892.3 (MANE Select); coding-DNA positions 347 to 348, 2 bases deleted (TG; older notation c.347_348delTG).
Protein change: p.Val116fs; shifts the reading frame from valine 116.
Molecular consequence: frameshift variant.
Genome position (GRCh38, 1-based): chr6:116,616,970-116,616,971, TG deleted; deleting any 2 consecutive bases within chr6:116,616,967-116,616,971 gives the same sequence; the c. name uses the placement nearest the transcript's 3' end. VCF-style (leftmost placement, unchanged base first): chr6-116616966-AGT-A. GRCh37 (hg19) VCF-style: chr6-116938129-AGT-A.
Other names: c.347_348del, p.Val116fs (NM_001161664.2); short protein forms V116fs.
Identifiers: ClinVar variation 3771740 (VCV003771740.13).